The following is an entry in ClinVar:

NM_001253697.2(ERBIN):c.815T>C (p.Ile272Thr)

Gene: ERBIN (erbb2 interacting protein; plus strand). Cytogenetic location: 5q12.3.
Variant type: single nucleotide variant.
Coding change: c.815T>C on transcript NM_001253697.2 (MANE Select); coding-DNA position 815, T replaced by C.
Protein change: p.Ile272Thr; replaces isoleucine 272 with threonine.
Molecular consequence: missense variant.
Genome position (GRCh38, 1-based): chr5:66,024,448, T>C. VCF-style: chr5-66024448-T-C. GRCh37 (hg19) VCF-style: chr5-65320276-T-C.
Other names: c.815T>C, p.Ile272Thr (NM_001006600.3, NM_001253698.2, NM_001253699.2 and 2 more transcripts); short protein forms I272T.
Identifiers: ClinVar variation 2756079 (VCV002756079.3), dbSNP rs2546713502, ClinGen allele CA359974978.

ClinVar aggregate classification (germline): Uncertain significance (1 of 4 stars; one submission).

Submission:

Labcorp Genetics (formerly Invitae), Labcorp
Classification: Uncertain significance. Last evaluated: 2024-02-10. Review status: criteria provided, single submitter. Criteria: Invitae Variant Classification Sherloc (09022015). Collection method: clinical testing. Allele origin: germline.
Comment: This sequence change replaces isoleucine, which is neutral and non-polar, with threonine, which is neutral and polar, at codon 272 of the ERBIN protein (p.Ile272Thr). This variant is not present in population databases (gnomAD no frequency). This variant has not been reported in the literature in individuals affected with ERBIN-related conditions. An algorithm developed to predict the effect of missense changes on protein structure and function (PolyPhen-2) suggests that this variant is likely to be tolerated. In summary, the available evidence is currently insufficient to determine the role of this variant in disease. Therefore, it has been classified as a Variant of Uncertain Significance.